The following is an entry in ClinVar:

ClinVar aggregate classification (germline): Pathogenic (1 of 4 stars; one submission).

Submission:

Athena Diagnostics
Classification: Pathogenic. Last evaluated: 2019-03-30. Review status: criteria provided, single submitter. Criteria: Athena Diagnostics Criteria. Collection method: clinical testing. Allele origin: germline.
Comment: The variant disrupts a canonical splice site, and is therefore predicted to result in the loss of a functional protein. Found in at least one symptomatic patient, and not found in general population data.

NM_033380.3(COL4A5):c.2767+1G>C

Gene: COL4A5 (collagen type IV alpha 5 chain; plus strand). Cytogenetic location: Xq22.3.
Variant type: single nucleotide variant.
Coding change: c.2767+1G>C on transcript NM_033380.3 (MANE Select); the canonical splice donor site of the intron after coding-DNA position 2767, G replaced by C.
Molecular consequence: splice donor variant.
Genome position (GRCh38, 1-based): chrX:108,621,893, G>C. VCF-style: chrX-108621893-G-C. GRCh37 (hg19) VCF-style: chrX-107865123-G-C.
Other names: c.2767+1G>C (NM_000495.5).
Identifiers: ClinVar variation 804586 (VCV000804586.1), dbSNP rs1603297903, ClinGen allele CA413852358.